The following is an entry in ClinVar:

NM_001365999.1(SZT2):c.2256-4C>G

Gene: SZT2 (SZT2 subunit of KICSTOR complex; plus strand). Cytogenetic location: 1p34.2.
Variant type: single nucleotide variant.
Coding change: c.2256-4C>G on transcript NM_001365999.1 (MANE Select); 4 bases into the intron before coding-DNA position 2256, C replaced by G.
Molecular consequence: intron variant.
Genome position (GRCh38, 1-based): chr1:43,424,213, C>G. VCF-style: chr1-43424213-C-G. GRCh37 (hg19) VCF-style: chr1-43889884-C-G.
Other names: c.2256-4C>G (NM_015284.4).
Identifiers: ClinVar variation 954470 (VCV000954470.11), dbSNP rs373433199, ClinGen allele CA808659.

ClinVar aggregate classification (germline): Conflicting classifications of pathogenicity. Review status: criteria provided, conflicting classifications (1 of 4 stars). 3 submissions from 3 submitters: Uncertain significance (1); Likely benign (1). 1 of the submissions does not count toward it. Last evaluated 2024-11-03.

Conditions:
Inborn genetic diseases. Identifiers: MedGen C0950123, MeSH D030342.
SZT2-related disorder. Also called: SZT2-related condition.

Allele frequency attached by ClinVar (database versions not stated): TOPMed 0.00006; ESP Exome Variant Server 0.00017; ExAC 0.00001; gnomAD exomes 0.00002; gnomAD 0.00005.

Submissions (3):

Labcorp Genetics (formerly Invitae), Labcorp
Classification: Likely benign. Last evaluated: 2024-11-03. Review status: criteria provided, single submitter. Criteria: Invitae Variant Classification Sherloc (09022015). Collection method: clinical testing. Allele origin: germline.

Ambry Genetics
Classification: Uncertain significance for Inborn genetic diseases. Last evaluated: 2017-05-31. Review status: criteria provided, single submitter. Criteria: Ambry Variant Classification Scheme 2023. Collection method: clinical testing. Allele origin: germline.
Comment: The c.2256-4C>G intronic variant results from a C to G substitution 4 nucleotides upstream from coding exon 16 in the SZT2 gene. This nucleotide position is not well conserved in available vertebrate species. Using the BDGP and ESEfinder splice site prediction tools, this alteration is not predicted to have any significant effect on this splice acceptor site; however, direct evidence is unavailable. Since supporting evidence is limited at this time, the clinical significance of this alteration remains unclear.

PreventionGenetics, part of Exact Sciences
Classification: Likely benign for SZT2-related condition. Last evaluated: 2019-04-01. Review status: no assertion criteria provided. Collection method: clinical testing. Allele origin: germline. Not counted in ClinVar's aggregate classification.
Comment: This variant is classified as likely benign based on ACMG/AMP sequence variant interpretation guidelines (Richards et al. 2015 PMID: 25741868, with internal and published modifications).